The following is an entry in ClinVar:

NM_007194.4(CHEK2):c.1443A>G (p.Leu481=)

Gene: CHEK2 (checkpoint kinase 2; minus strand). Cytogenetic location: 22q12.1.
Variant type: single nucleotide variant.
Coding change: c.1443A>G on transcript NM_007194.4 (MANE Select); coding-DNA position 1443, A replaced by G.
Protein change: p.Leu481=; no amino-acid change (leucine 481 retained).
Molecular consequence: synonymous variant.
Genome position (GRCh38, 1-based): chr22:28,694,050, T>C on the plus strand (A>G on the coding strand, the complement: CHEK2 is on the minus strand). VCF-style: chr22-28694050-T-C. GRCh37 (hg19) VCF-style: chr22-29090038-T-C.
Other names: c.1572A>G, p.Leu524= (NM_001005735.3); c.780A>G, p.Leu260= (NM_001257387.3); c.1242A>G, p.Leu414= (NM_001349956.3); c.1356A>G, p.Leu452= (NM_145862.3).
Identifiers: ClinVar variation 479556 (VCV000479556.8), dbSNP rs1555913096, ClinGen allele CA513944745.

ClinVar aggregate classification (germline): Benign/Likely benign. Review status: criteria provided, multiple submitters, no conflicts (2 of 4 stars). 3 submissions from 3 submitters: Benign (1); Likely benign (2). Last evaluated 2024-12-23.

Conditions:
Familial cancer of breast. Also called: BREAST CANCER, FAMILIAL; Hereditary breast cancer; hereditary breast carcinoma. Identifiers: Orphanet 227535, MedGen C0346153, MONDO:0016419, OMIM 114480. Disease mechanism: loss of function.
Hereditary cancer-predisposing syndrome. Also called: Hereditary Cancer Syndrome; Neoplastic Syndromes, Hereditary; Tumor predisposition; Hereditary neoplastic syndrome. Identifiers: Orphanet 140162, MedGen C0027672, MeSH D009386, MONDO:0015356.

Submissions (3):

Labcorp Genetics (formerly Invitae), Labcorp
Classification: Likely benign for Familial cancer of breast. Last evaluated: 2024-12-23. Review status: criteria provided, single submitter. Criteria: Invitae Variant Classification Sherloc (09022015). Collection method: clinical testing. Allele origin: germline.

Myriad Genetics, Inc.
Classification: Benign for Familial cancer of breast. Last evaluated: 2024-10-08. Review status: criteria provided, single submitter. Criteria: Myriad Autosomal Dominant, Autosomal Recessive and X-Linked Classification Criteria (2023). Collection method: clinical testing. Allele origin: unknown.
Comment: This variant is considered benign. This variant is a silent/synonymous amino acid change and it is not expected to impact splicing.

Ambry Genetics
Classification: Likely benign for Hereditary cancer-predisposing syndrome. Last evaluated: 2016-04-26. Review status: criteria provided, single submitter. Criteria: Ambry Variant Classification Scheme 2023. Collection method: clinical testing. Allele origin: germline.